The following is an entry in ClinVar:

ClinVar aggregate classification (germline): Uncertain significance (1 of 4 stars; one submission).

Conditions:
Spastic paraplegia. Identifiers: MedGen C0037772, HP:0001258.

Allele frequency attached by ClinVar (database versions not stated): gnomAD 0.00001; TOPMed 0.00001.
gnomAD v4.1: 78 of 1,608,958 alleles (0.0048%); highest among the groups gnomAD compares: Non-Finnish European, 0.0065%; no homozygotes.

Submission:

Labcorp Genetics (formerly Invitae), Labcorp
Classification: Uncertain significance for Spastic paraplegia. Last evaluated: 2022-08-10. Review status: criteria provided, single submitter. Criteria: Invitae Variant Classification Sherloc (09022015). Collection method: clinical testing. Allele origin: germline.
Comment: In summary, the available evidence is currently insufficient to determine the role of this variant in disease. Therefore, it has been classified as a Variant of Uncertain Significance. Algorithms developed to predict the effect of sequence changes on RNA splicing suggest that this variant may disrupt the consensus splice site. Algorithms developed to predict the effect of missense changes on protein structure and function are either unavailable or do not agree on the potential impact of this missense change (SIFT: "Deleterious"; PolyPhen-2: "Probably Damaging"; Align-GVGD: "Class C0"). ClinVar contains an entry for this variant (Variation ID: 1423786). This variant has not been reported in the literature in individuals affected with AP4E1-related conditions. This variant is not present in population databases (gnomAD no frequency). This sequence change replaces aspartic acid, which is acidic and polar, with valine, which is neutral and non-polar, at codon 300 of the AP4E1 protein (p.Asp300Val).

NM_007347.5(AP4E1):c.899A>T (p.Asp300Val)

Gene: AP4E1 (adaptor related protein complex 4 subunit epsilon 1; plus strand). Cytogenetic location: 15q21.2.
Variant type: single nucleotide variant.
Coding change: c.899A>T on transcript NM_007347.5 (MANE Select); coding-DNA position 899, A replaced by T.
Protein change: p.Asp300Val; replaces aspartic acid 300 with valine.
Molecular consequence: missense variant.
Genome position (GRCh38, 1-based): chr15:50,934,653, A>T. VCF-style: chr15-50934653-A-T. GRCh37 (hg19) VCF-style: chr15-51226850-A-T.
Other names: c.674A>T, p.Asp225Val (NM_001252127.2); short protein forms D300V, D225V.
Identifiers: ClinVar variation 1423786 (VCV001423786.7), dbSNP rs200153804, ClinGen allele CA392416439.